The following is an entry in ClinVar:

NM_002677.5(PMP2):c.262C>A (p.Gln88Lys)

Gene: PMP2 (peripheral myelin protein 2; minus strand). Cytogenetic location: 8q21.13.
Variant type: single nucleotide variant.
Coding change: c.262C>A on transcript NM_002677.5 (MANE Select); coding-DNA position 262, C replaced by A.
Protein change: p.Gln88Lys; replaces glutamine 88 with lysine.
Molecular consequence: missense variant.
Genome position (GRCh38, 1-based): chr8:81,444,586, G>T on the plus strand (C>A on the coding strand, the complement: PMP2 is on the minus strand). VCF-style: chr8-81444586-G-T. GRCh37 (hg19) VCF-style: chr8-82356821-G-T.
Other names: c.89C>A, p.Ala30Glu (NM_001348381.2); short protein forms Q88K, A30E.
Identifiers: ClinVar variation 4698897 (VCV004698897.5).

ClinVar aggregate classification (germline): Conflicting classifications of pathogenicity. Review status: criteria provided, conflicting classifications (1 of 4 stars). 2 submissions from 2 submitters: Uncertain significance (1); Likely benign (1). Last evaluated 2026-03-01.

gnomAD v4.1: 8 of 1,613,422 alleles (0.0005%); highest among the groups gnomAD compares: Non-Finnish European, 0.00059%; no homozygotes.

Submissions (2):

CeGaT Center for Human Genetics Tuebingen
Classification: Likely benign. Last evaluated: 2026-03-01. Review status: criteria provided, single submitter. Criteria: CeGaT Center For Human Genetics Tuebingen Variant Classification Criteria Version 2. Collection method: clinical testing. Allele origin: germline. Affected: yes. Observed: 1 variant allele.
Comment: PMP2: BP4

Labcorp Genetics (formerly Invitae), Labcorp
Classification: Uncertain significance. Last evaluated: 2025-06-13. Review status: criteria provided, single submitter. Criteria: Invitae Variant Classification Sherloc (09022015). Collection method: clinical testing. Allele origin: germline.
Comment: This sequence change replaces glutamine, which is neutral and polar, with lysine, which is basic and polar, at codon 88 of the PMP2 protein (p.Gln88Lys). This variant is present in population databases (rs764835333, gnomAD 0.002%). This variant has not been reported in the literature in individuals affected with PMP2-related conditions. An algorithm developed to predict the effect of missense changes on protein structure and function (PolyPhen-2) suggests that this variant is likely to be tolerated. In summary, the available evidence is currently insufficient to determine the role of this variant in disease. Therefore, it has been classified as a Variant of Uncertain Significance.